The following is an entry in ClinVar:

NM_022051.3(EGLN1):c.644G>T (p.Gly215Val)

Gene: EGLN1 (egl-9 family hypoxia inducible factor 1; minus strand). Cytogenetic location: 1q42.2.
Variant type: single nucleotide variant.
Coding change: c.644G>T on transcript NM_022051.3 (MANE Select); coding-DNA position 644, G replaced by T.
Protein change: p.Gly215Val; replaces glycine 215 with valine.
Molecular consequence: missense variant.
Genome position (GRCh38, 1-based): chr1:231,421,245, C>A on the plus strand (G>T on the coding strand, the complement: EGLN1 is on the minus strand). VCF-style: chr1-231421245-C-A. GRCh37 (hg19) VCF-style: chr1-231556991-C-A.
Other names: c.644G>T, p.Gly215Val (NM_001377260.1, NM_001377261.1); short protein forms G215V.
Identifiers: ClinVar variation 3507225 (VCV003507225.1).

ClinVar aggregate classification (germline): Uncertain significance (1 of 4 stars; one submission).

Submission:

Ambry Genetics
Classification: Uncertain significance. Last evaluated: 2024-09-15. Review status: criteria provided, single submitter. Criteria: Ambry Variant Classification Scheme 2023. Collection method: clinical testing. Allele origin: germline.
Comment: The p.G215V variant (also known as c.644G>T), located in coding exon 1 of the EGLN1 gene, results from a G to T substitution at nucleotide position 644. The glycine at codon 215 is replaced by valine, an amino acid with dissimilar properties. This amino acid position is conserved. In addition, the in silico prediction for this alteration is inconclusive. Based on the available evidence, the clinical significance of this variant remains unclear.